The following is an entry in ClinVar:

NM_024312.5(GNPTAB):c.897del (p.Ala300fs)

Gene: GNPTAB (N-acetylglucosamine-1-phosphate transferase subunits alpha and beta; minus strand). Cytogenetic location: 12q23.2.
Variant type: Deletion.
Coding change: c.897del on transcript NM_024312.5 (MANE Select); coding-DNA position 897, one base deleted (T; older notation c.897delT).
Protein change: p.Ala300fs; shifts the reading frame from alanine 300.
Molecular consequence: frameshift variant.
Genome position (GRCh38, 1-based): chr12:101,771,032, A deleted on the plus strand (T on the coding strand, the reverse complement: GNPTAB is on the minus strand). VCF-style (leftmost placement, unchanged base first): chr12-101771031-CA-C. GRCh37 (hg19) VCF-style: chr12-102164809-CA-C.
Other names: short protein forms A300fs.
Identifiers: ClinVar variation 5014589 (VCV005014589.1).

ClinVar aggregate classification (germline): Pathogenic (1 of 4 stars; one submission).

Conditions:
GNPTAB-mucolipidosis. Also called: UDP-N-acetylglucosamine-1-phosphotransferase subunit alpha/beta deficiency. Identifiers: MedGen CN322573, MONDO:0100122.

Submission:

Myriad Genetics, Inc.
Classification: Pathogenic for GNPTAB-mucolipidosis. Last evaluated: 2025-06-12. Review status: criteria provided, single submitter. Criteria: Myriad Autosomal Dominant, Autosomal Recessive and X-Linked Classification Criteria (2023). Collection method: clinical testing. Allele origin: unknown.
Comment: NM_024312.4(GNPTAB):c.897delT(A300Hfs*7) is expected to be pathogenic in the context of GNPTAB-related disorders. This variant is predicted to lead to an abnormal or absent protein product due to the creation of a premature termination codon in GNPTAB, a gene where loss-of-function variants are known to be pathogenic. Please note: this variant was assessed in the context of healthy population screening.